The following is an entry in ClinVar:

NM_012203.2(GRHPR):c.85T>C (p.Cys29Arg)

Gene: GRHPR (glyoxylate and hydroxypyruvate reductase; plus strand). Cytogenetic location: 9p13.2.
Variant type: single nucleotide variant.
Coding change: c.85T>C on transcript NM_012203.2 (MANE Select); coding-DNA position 85, T replaced by C.
Protein change: p.Cys29Arg; replaces cysteine 29 with arginine.
Molecular consequence: missense variant.
Genome position (GRCh38, 1-based): chr9:37,424,846, T>C. VCF-style: chr9-37424846-T-C. GRCh37 (hg19) VCF-style: chr9-37424843-T-C.
Other names: short protein forms C29R.
Identifiers: ClinVar variation 2156329 (VCV002156329.2), dbSNP rs749935481, ClinGen allele CA5058920.

ClinVar aggregate classification (germline): Uncertain significance. Review status: criteria provided, multiple submitters, no conflicts (2 of 4 stars). 2 submissions from 2 submitters: Uncertain significance (2). Last evaluated 2024-02-27.

Conditions:
Primary hyperoxaluria, type II (HP2). Also called: GLYCERIC ACIDURIA; GLYOXYLATE REDUCTASE/HYDROXYPYRUVATE REDUCTASE DEFICIENCY; Primary hyperoxaluria type 2; D-GLYCERATE DEHYDROGENASE DEFICIENCY; OXALOSIS II. Identifiers: Orphanet 416, Orphanet 93599, MedGen C0268165, MONDO:0009824, OMIM 260000. Disease mechanism: loss of function.

Allele frequency attached by ClinVar (database versions not stated): gnomAD exomes 0.00001; ExAC 0.00003; gnomAD 0.00003; TOPMed 0.00005.
gnomAD v4.1: 17 of 1,613,184 alleles (0.0011%); highest among the groups gnomAD compares: Middle Eastern, 0.017%; no homozygotes.

Submissions (2):

Fulgent Genetics
Classification: Uncertain significance for Primary hyperoxaluria, type II. Last evaluated: 2024-02-27. Review status: criteria provided, single submitter. Criteria: ACMG Guidelines, 2015. Collection method: clinical testing. Allele origin: germline.

Labcorp Genetics (formerly Invitae), Labcorp
Classification: Uncertain significance. Last evaluated: 2022-04-09. Review status: criteria provided, single submitter. Criteria: Invitae Variant Classification Sherloc (09022015). Collection method: clinical testing. Allele origin: germline.
Comment: This sequence change replaces cysteine, which is neutral and slightly polar, with arginine, which is basic and polar, at codon 29 of the GRHPR protein (p.Cys29Arg). This variant is present in population databases (rs749935481, gnomAD 0.006%). This variant has not been reported in the literature in individuals affected with GRHPR-related conditions. Algorithms developed to predict the effect of missense changes on protein structure and function are either unavailable or do not agree on the potential impact of this missense change (SIFT: "Tolerated"; PolyPhen-2: "Probably Damaging"; Align-GVGD: "Class C0"). In summary, the available evidence is currently insufficient to determine the role of this variant in disease. Therefore, it has been classified as a Variant of Uncertain Significance.